The following is an entry in ClinVar:

ClinVar aggregate classification (germline): Pathogenic. Review status: reviewed by expert panel (3 of 4 stars). 10 submissions from 10 submitters: Pathogenic (1). 9 of the submissions do not count toward it. Last evaluated 2016-09-08.

Conditions:
Hereditary cancer-predisposing syndrome. Also called: Tumor predisposition; Neoplastic Syndromes, Hereditary; Hereditary Cancer Syndrome; Hereditary neoplastic syndrome. Identifiers: Orphanet 140162, MedGen C0027672, MeSH D009386, MONDO:0015356.
Hereditary breast ovarian cancer syndrome. Also called: Hereditary breast and ovarian cancer syndrome (HBOC); Hereditary breast and ovarian cancer syndrome; Hereditary breast and ovarian cancer; Hereditary breast and/or ovarian cancer syndrome; Breast and ovarian cancer; BRCA1- and BRCA2-Associated Hereditary Breast and Ovarian Cancer. Identifiers: Orphanet 145, MedGen C0677776, MeSH D061325, MONDO:0003582. Disease mechanism: loss of function.
Breast-ovarian cancer, familial, susceptibility to, 1 (BROVCA1). Also called: OVARIAN CANCER, SUSCEPTIBILITY TO; BRCA1 Hereditary Breast and Ovarian Cancer. Identifiers: Orphanet 145, MedGen C2676676, MONDO:0011450, OMIM 604370. Disease mechanism: loss of function.

Submissions (10):

Evidence-based Network for the Interpretation of Germline Mutant Alleles (ENIGMA)
Classification: Pathogenic for Breast-ovarian cancer, familial, susceptibility to, 1. Last evaluated: 2016-09-08. Review status: reviewed by expert panel. Criteria: ENIGMA BRCA1/2 Classification Criteria (2015). Collection method: curation. Allele origin: germline.
Comment: Variant allele predicted to encode a truncated non-functional protein.

Women's Health and Genetics/Laboratory Corporation of America, LabCorp
Classification: Pathogenic for Hereditary breast ovarian cancer syndrome. Last evaluated: 2025-02-12. Review status: criteria provided, single submitter. Criteria: LabCorp Variant Classification Summary - May 2015. Collection method: clinical testing. Allele origin: germline. Not counted in ClinVar's aggregate classification.
Comment: Variant summary: BRCA1 c.2293G>T (p.Glu765X) results in a premature termination codon, predicted to cause a truncation of the encoded protein or absence of the protein due to nonsense mediated decay, which are commonly known mechanisms for disease. The variant was absent in 251086 control chromosomes. c.2293G>T has been reported in the literature in individuals with personal and/or family history of breast/ovarian cancer (e.g. Heramb_2018, Rebbeck_2018). The following publications have been ascertained in the context of this evaluation (PMID: 32467295, 29339979, 29446198). ClinVar contains an entry for this variant (Variation ID: 54524). Based on the evidence outlined above, the variant was classified as pathogenic.

Institute of Human Genetics, FAU Erlangen, Friedrich-Alexander-Universität Erlangen-Nürnberg
Classification: Pathogenic. Last evaluated: 2023-10-31. Review status: criteria provided, single submitter. Criteria: Hauer et al. (Genet Med. 2018). Collection method: clinical testing. Allele origin: germline. Inheritance: Unknown mechanism. Affected: yes. Observed: 1 variant allele. Not counted in ClinVar's aggregate classification.
Comment: This variant has been identified by standard clinical testing.

Labcorp Genetics (formerly Invitae), Labcorp
Classification: Pathogenic for Hereditary breast ovarian cancer syndrome. Last evaluated: 2023-09-17. Review status: criteria provided, single submitter. Criteria: Invitae Variant Classification Sherloc (09022015). Collection method: clinical testing. Allele origin: germline. Not counted in ClinVar's aggregate classification.
Comment: For these reasons, this variant has been classified as Pathogenic. ClinVar contains an entry for this variant (Variation ID: 54524). This sequence change creates a premature translational stop signal (p.Glu765*) in the BRCA1 gene. It is expected to result in an absent or disrupted protein product. Loss-of-function variants in BRCA1 are known to be pathogenic (PMID: 20104584). This variant is not present in population databases (gnomAD no frequency). This premature translational stop signal has been observed in individual(s) with elevated risk for hereditary breast and/or ovarian cancer (PMID: 29339979, 29446198).

Quest Diagnostics Nichols Institute San Juan Capistrano
Classification: Pathogenic. Last evaluated: 2022-11-11. Review status: criteria provided, single submitter. Criteria: Quest Diagnostics criteria. Collection method: clinical testing. Allele origin: unknown. Not counted in ClinVar's aggregate classification.
Comment: This nonsense variant causes the premature termination of BRCA1 protein synthesis. It has not been reported in large, multi-ethnic general populations. In the published literature, the variant has been reported in individuals with a personal and/or family history of breast or ovarian cancer (PMIDs: 29446198 (2018) and 29339979 (2018)). Based on the available information, this variant is classified as pathogenic.

Color Diagnostics, LLC DBA Color Health
Classification: Pathogenic for Hereditary cancer-predisposing syndrome. Last evaluated: 2020-05-07. Review status: criteria provided, single submitter. Criteria: ACMG Guidelines, 2015. Collection method: clinical testing. Allele origin: germline. Not counted in ClinVar's aggregate classification.
Comment: This variant changes 1 nucleotide in exon 10 of the BRCA1 gene, creating a premature translation stop signal. This variant is expected to result in an absent or non-functional protein product. This variant has been reported in an individual with personal and/or family history of BRCA1-associated cancers (PMID: 29339979). This variant has not been identified in the general population by the Genome Aggregation Database (gnomAD). Loss of BRCA1 function is a known mechanism of disease. Based on the available evidence, this variant is classified as Pathogenic.

Ambry Genetics
Classification: Pathogenic for Hereditary cancer-predisposing syndrome. Last evaluated: 2018-09-29. Review status: criteria provided, single submitter. Criteria: Ambry Variant Classification Scheme 2023. Collection method: clinical testing. Allele origin: germline. Not counted in ClinVar's aggregate classification.
Comment: The p.E765* pathogenic mutation (also known as c.2293G>T), located in coding exon 9 of the BRCA1 gene, results from a G to T substitution at nucleotide position 2293. This changes the amino acid from a glutamic acid to a stop codon within coding exon 9. This mutation has been reported in a Norwegian population (Heramb C et al. Hered Cancer Clin Pract 2018 Jan;16:3) and in one Hispanic family from the United States (Rebbeck TR et al. Hum. Mutat., 2018 May;39:593-620). This alteration is expected to result in loss of function by premature protein truncation or nonsense-mediated mRNA decay. As such, this alteration is interpreted as a disease-causing mutation.

Consortium of Investigators of Modifiers of BRCA1/2 (CIMBA), c/o University of Cambridge
Classification: Pathogenic for Breast-ovarian cancer, familial, susceptibility to, 1. Last evaluated: 2015-10-02. Review status: criteria provided, single submitter. Criteria: CIMBA Mutation Classification guidelines May 2016. Collection method: clinical testing. Allele origin: germline. Not counted in ClinVar's aggregate classification.

Department of Medical Genetics, Oslo University Hospital
Classification: Pathogenic for Breast-ovarian cancer, familial, susceptibility to, 1. Last evaluated: 2015-06-30. Review status: criteria provided, single submitter. Criteria: ACMG Guidelines, 2015. Collection method: clinical testing. Allele origin: germline. Affected: yes. Observed: 1 variant allele. Not counted in ClinVar's aggregate classification.

Breast Cancer Information Core (BIC) (BRCA1)
Classification: Pathogenic for Breast-ovarian cancer, familial 1. Last evaluated: 2004-02-20. Review status: no assertion criteria provided. Collection method: clinical testing. Allele origin: germline. Affected: yes. Observed: 1 variant allele. Not counted in ClinVar's aggregate classification.

Literature cited by the submitters: PubMed 29339979 (cited by 4 submitters); PubMed 29446198 (cited by 4 submitters); PubMed 32467295 (cited by Women's Health and Genetics/Laboratory Corporation of America, LabCorp and Quest Diagnostics Nichols Institute San Juan Capistrano); PubMed 20104584 (cited by Labcorp Genetics (formerly Invitae), Labcorp); PubMed 26295337 (cited by Quest Diagnostics Nichols Institute San Juan Capistrano).

NM_007294.4(BRCA1):c.2293G>T (p.Glu765Ter)

Gene: BRCA1 (BRCA1 DNA repair associated; minus strand). Cytogenetic location: 17q21.31.
Variant type: single nucleotide variant.
Coding change: c.2293G>T on transcript NM_007294.4 (MANE Select); coding-DNA position 2293, G replaced by T.
Protein change: p.Glu765Ter; replaces glutamic acid 765 with a stop codon.
Molecular consequence: nonsense. On other transcripts: intron variant (137).
Genome position (GRCh38, 1-based): chr17:43,093,238, C>A on the plus strand (G>T on the coding strand, the complement: BRCA1 is on the minus strand). VCF-style: chr17-43093238-C-A. GRCh37 (hg19) VCF-style: chr17-41245255-C-A.
Other names: c.2290G>T, p.Glu764Ter (NM_001407613.1, NM_001407614.1, NM_001407615.1 and 22 more transcripts); c.2293G>T, p.Glu765Ter (NM_001407616.1, NM_001407617.1, NM_001407618.1 and 30 more transcripts); c.2284G>T, p.Glu762Ter (NM_001407646.1, NM_001407647.1); c.2170G>T, p.Glu724Ter (NM_001407648.1, NM_001407664.1, NM_001407665.1 and 19 more transcripts); c.2167G>T, p.Glu723Ter (NM_001407649.1, NM_001407670.1, NM_001407671.1 and 11 more transcripts); c.2215G>T, p.Glu739Ter (NM_001407653.1, NM_001407654.1, NM_001407655.1 and 4 more transcripts); c.2212G>T, p.Glu738Ter (NM_001407659.1, NM_001407660.1, NM_001407661.1 and 1 more transcripts); c.2152G>T, p.Glu718Ter (NM_001407692.1, NM_001407694.1, NM_001407695.1 and 29 more transcripts); and 41 more; short protein forms E765*, E718*, E676*, E677*, E698*, E717*, E724*, E638*.
Identifiers: ClinVar variation 54524 (VCV000054524.24), dbSNP rs80357449, ClinGen allele CA001525.
Genomic context (GRCh38, chr17:43,093,238, plus strand): 5'-ACGAGATACTTTCCTGAGTGCCATAATCAGTACCAGGTACCAATGAAATACTGCTACTCT[C>A]TACAGATCTTTCAGTTTGCAAAACCCTTTCTCCACTTAACATGAGATCTTTGGGGTCTTC-3'